The following is an entry in ClinVar:

ClinVar aggregate classification (germline): Benign/Likely benign. Review status: criteria provided, multiple submitters, no conflicts (2 of 4 stars). 5 submissions from 5 submitters: Benign (3); Likely benign (2). Last evaluated 2026-01-25.

Conditions:
ALG8 congenital disorder of glycosylation. Also called: CONGENITAL DISORDER OF GLYCOSYLATION, TYPE Ih; CDG Ih; ALG8-CDG. Identifiers: Orphanet 79325, MedGen C2931002, MONDO:0011969, OMIM 608104.

Allele frequency attached by ClinVar (database versions not stated): gnomAD exomes 0.00062 and 0.00162; ExAC 0.00207; gnomAD 0.00583 and 0.00615; TOPMed 0.00687; 1000 Genomes Project 0.00699; 1000 Genomes Project 30x 0.00734; ESP Exome Variant Server 0.00739.
gnomAD v4.1: 1,825 of 1,613,828 alleles (0.11%); highest among the groups gnomAD compares: African/African-American, 2.1%; 17 homozygotes.

Submissions (5):

Labcorp Genetics (formerly Invitae), Labcorp
Classification: Benign for ALG8 congenital disorder of glycosylation. Last evaluated: 2026-01-25. Review status: criteria provided, single submitter. Criteria: Invitae Variant Classification Sherloc (09022015). Collection method: clinical testing. Allele origin: germline.

ARUP Laboratories, Molecular Genetics and Genomics, ARUP Laboratories
Classification: Benign. Last evaluated: 2025-01-17. Review status: criteria provided, single submitter. Criteria: ARUP Molecular Germline Variant Investigation Process 2024. Collection method: clinical testing. Allele origin: germline.

Mayo Clinic Laboratories, Mayo Clinic
Classification: Benign. Last evaluated: 2023-02-09. Review status: criteria provided, single submitter. Criteria: ACMG Guidelines, 2015. Collection method: clinical testing. Allele origin: germline. Observed: 6 variant alleles.
Comment: BS1, BS2, BP4_strong

Illumina Laboratory Services, Illumina
Classification: Likely benign for ALG8 congenital disorder of glycosylation. Last evaluated: 2018-01-13. Review status: criteria provided, single submitter. Criteria: ICSL Variant Classification Criteria 13 December 2019. Collection method: clinical testing. Allele origin: germline.
Comment: This variant was observed in the ICSL laboratory as part of a predisposition screen in an ostensibly healthy population. It had not been previously curated by ICSL or reported in the Human Gene Mutation Database (HGMD: prior to June 1st, 2018), and was therefore a candidate for classification through an automated scoring system. Utilizing variant allele frequency, disease prevalence and penetrance estimates, and inheritance mode, an automated score was calculated to assess if this variant is too frequent to cause the disease. Based on the score and internal cut-off values, a variant classified as likely benign is not then subjected to further curation. The score for this variant resulted in a classification of likely benign for this disease.

Breakthrough Genomics
Classification: Likely benign. Review status: criteria provided, single submitter. Criteria: ACMG Guidelines, 2015. Collection method: not provided. Allele origin: germline. Inheritance: Autosomal recessive inheritance. Affected: yes.

NM_024079.5(ALG8):c.896T>C (p.Ile299Thr)

Gene: ALG8 (ALG8 alpha-1,3-glucosyltransferase; minus strand). Cytogenetic location: 11q14.1.
Variant type: single nucleotide variant.
Coding change: c.896T>C on transcript NM_024079.5 (MANE Select); coding-DNA position 896, T replaced by C.
Protein change: p.Ile299Thr; replaces isoleucine 299 with threonine.
Molecular consequence: missense variant.
Genome position (GRCh38, 1-based): chr11:78,112,652, A>G on the plus strand (T>C on the coding strand, the complement: ALG8 is on the minus strand). VCF-style: chr11-78112652-A-G. GRCh37 (hg19) VCF-style: chr11-77823698-A-G.
Other names: p.Ile299Thr; c.896T>C, p.Ile299Thr (NM_001007027.3); short protein forms I299T.
Identifiers: ClinVar variation 306218 (VCV000306218.20), dbSNP rs61995922, ClinGen allele CA6203305.
Genomic context (GRCh38, chr11:78,112,652, plus strand): 5'-CATGTGCCTAAGTCCTTTCAATATTCAGAGTCTGAGTAAAAAATGCTCGCTACCATACCG[A>G]TGACAGACAGCACTTTGTCCAAAGCATTGTACAAAGCCCAGAAGTTTGGAGCCCAATATG-3'
Protein context (NP_076984.2, residues 289-309): YNALDKVLSV[Ile299Thr]GLKLKFLDPN